The following is an entry in ClinVar:

ClinVar aggregate classification (germline): Uncertain significance (1 of 4 stars; one submission).

Conditions:
Hereditary cancer-predisposing syndrome. Also called: Hereditary Cancer Syndrome; Tumor predisposition; Hereditary neoplastic syndrome; Neoplastic Syndromes, Hereditary. Identifiers: Orphanet 140162, MedGen C0027672, MeSH D009386, MONDO:0015356.

Submission:

Hereditary Cancer Group, L’Institut d'Investigació Biomèdica de Bellvitge
Classification: Uncertain significance for Hereditary cancer-predisposing syndrome. Last evaluated: 2024-12-19. Review status: criteria provided, single submitter. Criteria: Hatton et al. (Hum Mutat. 2023). Collection method: clinical testing. Allele origin: germline. Inheritance: Autosomal dominant inheritance. Affected: yes.
Comment: PM2_supporting

NM_177438.3(DICER1):c.1908-6T>C

Gene: DICER1 (dicer 1, ribonuclease III; minus strand). Cytogenetic location: 14q32.13.
Variant type: single nucleotide variant.
Coding change: c.1908-6T>C on transcript NM_177438.3 (MANE Select); 6 bases into the intron before coding-DNA position 1908, T replaced by C.
Molecular consequence: intron variant.
Genome position (GRCh38, 1-based): chr14:95,113,230, A>G on the plus strand (T>C on the coding strand, the complement: DICER1 is on the minus strand). VCF-style: chr14-95113230-A-G. GRCh37 (hg19) VCF-style: chr14-95579567-A-G.
Other names: c.1908-6T>C (NM_001291628.2, NM_030621.4, NM_001395677.1 and 12 more transcripts); c.1503-6T>C (NM_001395690.1, NM_001395687.1, NM_001395689.1 and 3 more transcripts); c.1626-6T>C (NM_001395686.1); c.1341-6T>C (NM_001395691.1); c.225-6T>C (NM_001395697.1).
Identifiers: ClinVar variation 3393363 (VCV003393363.1).